The following is an entry in ClinVar:

NM_001267550.2(TTN):c.51193A>T (p.Lys17065Ter)

Genes: TTN (titin; minus strand), TTN-AS1 (TTN antisense RNA 1; plus strand). Cytogenetic location: 2q31.2.
Variant type: single nucleotide variant.
Coding change: c.51193A>T on transcript NM_001267550.2 (MANE Select); coding-DNA position 51193, A replaced by T.
Protein change: p.Lys17065Ter; replaces lysine 17065 with a stop codon.
Molecular consequence: nonsense.
Genome position (GRCh38, 1-based): chr2:178,610,333, T>A on the plus strand (A>T on the coding strand, the complement: TTN is on the minus strand). VCF-style: chr2-178610333-T-A. GRCh37 (hg19) VCF-style: chr2-179475060-T-A.
Other names: c.46270A>T, p.Lys15424Ter (NM_001256850.1); c.23998A>T, p.Lys8000Ter (NM_003319.4); c.43489A>T, p.Lys14497Ter (NM_133378.4); c.24373A>T, p.Lys8125Ter (NM_133432.3); c.24574A>T, p.Lys8192Ter (NM_133437.4); short protein forms K8000*, K15424*, K17065*, K8125*, K14497*, K8192*.
Identifiers: ClinVar variation 2953521 (VCV002953521.4), dbSNP rs2470435116, ClinGen allele CA349587968.

ClinVar aggregate classification (germline): Likely pathogenic. Review status: criteria provided, multiple submitters, no conflicts (2 of 4 stars). 2 submissions from 2 submitters: Likely pathogenic (2). Last evaluated 2026-01-12.

Conditions:
Cardiovascular phenotype. Identifiers: MedGen CN230736.
Autosomal recessive limb-girdle muscular dystrophy type 2J (LGMDR10). Also called: Limb-girdle muscular dystrophy, type 2J; MUSCULAR DYSTROPHY, LIMB-GIRDLE, AUTOSOMAL RECESSIVE 10. Identifiers: Orphanet 140922, MedGen C1837342, MONDO:0012127, OMIM 608807.
Dilated cardiomyopathy 1G (CMD1G). Identifiers: Orphanet 154, MedGen C1858763, MONDO:0011400, OMIM 604145.

Submissions (2):

Ambry Genetics
Classification: Likely pathogenic for Cardiovascular phenotype. Last evaluated: 2026-01-12. Review status: criteria provided, single submitter. Criteria: Ambry Variant Classification Scheme 2023. Collection method: clinical testing. Allele origin: germline.
Comment: The p.K8000* variant (also known as c.23998A>T), located in coding exon 98 of the TTN gene, results from an A to T substitution at nucleotide position 23998. This changes the amino acid from a lysine to a stop codon within coding exon 98. This exon is located in the A-band region of the N2-B isoform of the titin protein and is constitutively expressed in TTN transcripts (percent spliced in or PSI 100%). This variant was reported in individual(s) with features consistent with dilated cardiomyopathy (DCM) (Cuenca S et al. J Heart Lung Transplant, 2016 May;35:625-35). This variant is expected to result in loss of function by premature protein truncation or nonsense-mediated mRNA decay. While truncating variants in TTN are present in 1-3% of the general population, truncating variants in the A-band are the most common cause of dilated cardiomyopathy (Herman DS et al. N. Engl. J. Med., 2012 Feb;366:619-28; Roberts AM et al. Sci Transl Med, 2015 Jan;7:270ra6). TTN truncating variants encoded in constitutive exons (PSI >90%) have been found to be significantly associated with DCM regardless of their position in titin (Schafer S et al. Nat. Genet., 2017 01;49:46-53; Akhtar MM et al. Circ Heart Fail, 2020 Oct;13:e006832; Massier M et al. Clin Genet, 2025 Jan). This variant is considered to be rare based on population cohorts in the Genome Aggregation Database (gnomAD). Based on the majority of available evidence to date, this variant is likely to be pathogenic.

Labcorp Genetics (formerly Invitae), Labcorp
Classification: Likely pathogenic for Dilated cardiomyopathy 1G; Autosomal recessive limb-girdle muscular dystrophy type 2J. Last evaluated: 2023-11-03. Review status: criteria provided, single submitter. Criteria: Invitae Variant Classification Sherloc (09022015). Collection method: clinical testing. Allele origin: germline.
Comment: This sequence change creates a premature translational stop signal (p.Lys17065*) in the TTN gene. While this is not anticipated to result in nonsense mediated decay, it is expected to create a truncated TTN protein. This variant is not present in population databases (gnomAD no frequency). This premature translational stop signal has been observed in individual(s) with dilated cardiomyopathy (PMID: 26899768). This variant is located in the A band of TTN (PMID: 25589632). Truncating variants in this region are significantly overrepresented in patients affected with dilated cardiomyopathy (PMID: 25589632). Truncating variants in this region have also been reported in individuals affected with autosomal recessive centronuclear myopathy (PMID: 23975875). In summary, the currently available evidence indicates that the variant is pathogenic, but additional data are needed to prove that conclusively. Therefore, this variant has been classified as Likely Pathogenic.

Literature cited by the submitters: PubMed 26899768 (cited by Ambry Genetics and Labcorp Genetics (formerly Invitae), Labcorp); PubMed 25589632 (cited by Labcorp Genetics (formerly Invitae), Labcorp); PubMed 23975875 (cited by Labcorp Genetics (formerly Invitae), Labcorp).